The following is an entry in ClinVar:

ClinVar aggregate classification (germline): Likely benign. Review status: criteria provided, multiple submitters, no conflicts (2 of 4 stars). 4 submissions from 4 submitters: Likely benign (3). 1 of the submissions does not count toward it. Last evaluated 2026-07-01.

Conditions:
DKC1-related disorder. Also called: DKC1-related condition. Identifiers: MedGen CN294808, MONDO:0100152.
Dyskeratosis congenita. Identifiers: Orphanet 1775, MedGen C0265965, MONDO:0015780.

Submissions (4):

CeGaT Center for Human Genetics Tuebingen
Classification: Likely benign. Last evaluated: 2026-07-01. Review status: criteria provided, single submitter. Criteria: CeGaT Center For Human Genetics Tuebingen Variant Classification Criteria Version 2. Collection method: clinical testing. Allele origin: germline. Affected: yes. Observed: 1 variant allele.
Comment: DKC1: BS2

Labcorp Genetics (formerly Invitae), Labcorp
Classification: Likely benign for Dyskeratosis congenita. Last evaluated: 2025-12-03. Review status: criteria provided, single submitter. Criteria: Invitae Variant Classification Sherloc (09022015). Collection method: clinical testing. Allele origin: germline.

Blueprint Genetics
Classification: Likely benign. Last evaluated: 2024-11-18. Review status: criteria provided, single submitter. Criteria: ACMG Guidelines, 2015. Collection method: clinical testing. Allele origin: germline.

PreventionGenetics, part of Exact Sciences
Classification: Likely benign for DKC1-related condition. Last evaluated: 2023-09-13. Review status: no assertion criteria provided. Collection method: clinical testing. Allele origin: germline. Not counted in ClinVar's aggregate classification.
Comment: This variant is classified as likely benign based on ACMG/AMP sequence variant interpretation guidelines (Richards et al. 2015 PMID: 25741868, with internal and published modifications).

NM_001363.5(DKC1):c.1494GAA[9] (p.Lys504_Lys505dup)

Gene: DKC1 (dyskerin pseudouridine synthase 1; plus strand). Cytogenetic location: Xq28.
Variant type: Microsatellite.
Coding change: c.1494GAA[9] on transcript NM_001363.5 (MANE Select); nine copies in a row of the 3-base unit GAA starting at c.1494; the reference has seven copies in a row; two copies, 6 bases duplicated; also written c.1509_1514dup.
Protein change: p.Lys504_Lys505dup.
Molecular consequence: inframe insertion. On other transcripts: 3 prime UTR variant (1), non-coding transcript variant (3).
Genome position (GRCh38, 1-based): chrX:154,776,831-154,776,836, GAAGAA duplicated; duplicating any 6 consecutive bases within chrX:154,776,814-154,776,836 gives the same sequence; the position shown is the placement nearest the transcript's 3' end. VCF-style (leftmost placement, unchanged base first): chrX-154776813-C-CAAGAAG. GRCh37 (hg19) VCF-style: chrX-154005088-C-CAAGAAG.
Other names: c.1509_1514dup (NM_001363.4); c.1479GAA[9], p.Lys499_Lys500dup (NM_001142463.3); c.*720GAA[9] (NM_001288747.2); c.1509_1514dup6 (NM_001363.4).
Identifiers: ClinVar variation 412223 (VCV000412223.15), dbSNP rs782576893, ClinGen allele CA10567300.